The following is an entry in ClinVar:

NM_002734.5(PRKAR1A):c.694A>G (p.Arg232Gly)

Gene: PRKAR1A (protein kinase cAMP-dependent type I regulatory subunit alpha; plus strand). Cytogenetic location: 17q24.2.
Variant type: single nucleotide variant.
Coding change: c.694A>G on transcript NM_002734.5 (MANE Select); coding-DNA position 694, A replaced by G.
Protein change: p.Arg232Gly; replaces arginine 232 with glycine.
Molecular consequence: missense variant.
Genome position (GRCh38, 1-based): chr17:68,525,898, A>G. VCF-style: chr17-68525898-A-G. GRCh37 (hg19) VCF-style: chr17-66522039-A-G.
Other names: c.694A>G, p.Arg232Gly (NM_001276289.2, NM_001276290.1, NM_001278433.2 and 4 more transcripts); short protein forms R232G.
Identifiers: ClinVar variation 1355068 (VCV001355068.10), dbSNP rs2143324207, ClinGen allele CA400753368.
Genomic context (GRCh38, chr17:68,525,898, plus strand): 5'-GCAGCCACTGTCAAAGCAAAGACAAATGTGAAATTGTGGGGCATCGACCGAGACAGCTAT[A>G]GAAGAATCCTCATGGTAAGAGACCATGGTGTTTGAGAGTGTGATTTAGAATTCTCATCTA-3'
Protein context (NP_002725.1, residues 222-242): KLWGIDRDSY[Arg232Gly]RILMGSTLRK

ClinVar aggregate classification (germline): Uncertain significance. Review status: criteria provided, multiple submitters, no conflicts (2 of 4 stars). 2 submissions from 2 submitters: Uncertain significance (2). Last evaluated 2025-01-02.

Conditions:
Hereditary cancer-predisposing syndrome. Also called: Neoplastic Syndromes, Hereditary; Tumor predisposition; Hereditary neoplastic syndrome; Hereditary Cancer Syndrome. Identifiers: Orphanet 140162, MedGen C0027672, MeSH D009386, MONDO:0015356.
Carney complex, type 1 (CNC1). Also called: CARNEY COMPLEX, TYPE I; CARNEY MYXOMA-ENDOCRINE COMPLEX. Identifiers: Orphanet 1359, MedGen C2607929, MONDO:0008057, OMIM 160980.

Submissions (2):

Labcorp Genetics (formerly Invitae), Labcorp
Classification: Uncertain significance for Carney complex, type 1. Last evaluated: 2025-01-02. Review status: criteria provided, single submitter. Criteria: Invitae Variant Classification Sherloc (09022015). Collection method: clinical testing. Allele origin: germline.
Comment: This sequence change replaces arginine, which is basic and polar, with glycine, which is neutral and non-polar, at codon 232 of the PRKAR1A protein (p.Arg232Gly). This variant is not present in population databases (gnomAD no frequency). This variant has not been reported in the literature in individuals affected with PRKAR1A-related conditions. ClinVar contains an entry for this variant (Variation ID: 1355068). Invitae Evidence Modeling of protein sequence and biophysical properties (such as structural, functional, and spatial information, amino acid conservation, physicochemical variation, residue mobility, and thermodynamic stability) indicates that this missense variant is expected to disrupt PRKAR1A protein function with a positive predictive value of 95%. In summary, the available evidence is currently insufficient to determine the role of this variant in disease. Therefore, it has been classified as a Variant of Uncertain Significance.

Ambry Genetics
Classification: Uncertain significance for Hereditary cancer-predisposing syndrome. Last evaluated: 2022-08-17. Review status: criteria provided, single submitter. Criteria: Ambry Variant Classification Scheme 2023. Collection method: clinical testing. Allele origin: germline.
Comment: The p.R232G variant (also known as c.694A>G), located in coding exon 6 of the PRKAR1A gene, results from an A to G substitution at nucleotide position 694. The arginine at codon 232 is replaced by glycine, an amino acid with dissimilar properties. This amino acid position is conserved. In addition, this alteration is predicted to be deleterious by in silico analysis. Since supporting evidence is limited at this time, the clinical significance of this alteration remains unclear.